The following is an entry in ClinVar:

ClinVar aggregate classification (germline): Uncertain significance (1 of 4 stars; one submission).

Conditions:
Hemochromatosis type 4 (HFE4). Also called: HEMOCHROMATOSIS DUE TO DEFECT IN FERROPORTIN; HEMOCHROMATOSIS, AUTOSOMAL DOMINANT; Ferroportin disease. Identifiers: Orphanet 139491, Orphanet 647834, Orphanet 648562, MedGen C1853733, MONDO:0011631, OMIM 606069.

Submission:

Labcorp Genetics (formerly Invitae), Labcorp
Classification: Uncertain significance for Hemochromatosis type 4. Last evaluated: 2022-08-20. Review status: criteria provided, single submitter. Criteria: Invitae Variant Classification Sherloc (09022015). Collection method: clinical testing. Allele origin: germline.
Comment: Algorithms developed to predict the effect of missense changes on protein structure and function are either unavailable or do not agree on the potential impact of this missense change (SIFT: "Tolerated"; PolyPhen-2: "Probably Damaging"; Align-GVGD: "Class C15"). This variant is also known as G963A R178G. This missense change has been observed in individual(s) with hereditary hemochromatosis (PMID: 17997113). This variant is not present in population databases (gnomAD no frequency). This sequence change replaces arginine, which is basic and polar, with glycine, which is neutral and non-polar, at codon 178 of the SLC40A1 protein (p.Arg178Gly). In summary, the available evidence is currently insufficient to determine the role of this variant in disease. Therefore, it has been classified as a Variant of Uncertain Significance. This variant disrupts the p.Arg178 amino acid residue in SLC40A1. Other variant(s) that disrupt this residue have been determined to be pathogenic (PMID: 17951290, 17997113, 21199650, 30002125). This suggests that this residue is clinically significant, and that variants that disrupt this residue are likely to be disease-causing.

Literature cited by the submitters: PubMed 17997113; PubMed 17951290; PubMed 21199650; PubMed 30002125.

NM_014585.6(SLC40A1):c.532C>G (p.Arg178Gly)

Gene: SLC40A1 (solute carrier family 40 member 1; minus strand). Cytogenetic location: 2q32.2.
Variant type: single nucleotide variant.
Coding change: c.532C>G on transcript NM_014585.6 (MANE Select); coding-DNA position 532, C replaced by G.
Protein change: p.Arg178Gly; replaces arginine 178 with glycine.
Molecular consequence: missense variant.
Genome position (GRCh38, 1-based): chr2:189,565,582, G>C on the plus strand (C>G on the coding strand, the complement: SLC40A1 is on the minus strand). VCF-style: chr2-189565582-G-C. GRCh37 (hg19) VCF-style: chr2-190430308-G-C.
Other names: short protein forms R178G.
Identifiers: ClinVar variation 2025288 (VCV002025288.4), dbSNP rs1039029115, ClinGen allele CA349988988.